The following is an entry in ClinVar:

NM_014363.6(SACS):c.11234_11235del (p.Leu3745fs)

Gene: SACS (sacsin molecular chaperone; minus strand). Cytogenetic location: 13q12.12.
Variant type: Deletion.
Coding change: c.11234_11235del on transcript NM_014363.6 (MANE Select); coding-DNA positions 11234 to 11235, 2 bases deleted (TT; older notation c.11234_11235delTT).
Protein change: p.Leu3745fs; shifts the reading frame from leucine 3745.
Molecular consequence: frameshift variant.
Genome position (GRCh38, 1-based): chr13:23,332,641-23,332,642, AA deleted on the plus strand (TT on the coding strand, the reverse complement: SACS is on the minus strand). VCF-style (leftmost placement, unchanged base first): chr13-23332640-CAA-C. GRCh37 (hg19) VCF-style: chr13-23906779-CAA-C.
Other names: c.10793_10794del, p.Leu3598fs (NM_001278055.2); c.11261_11262del, p.Leu3754fs (NM_001437336.1); short protein forms L3745fs, L3598fs, L3754fs.
Identifiers: ClinVar variation 4710067 (VCV004710067.1).

ClinVar aggregate classification (germline): Pathogenic (1 of 4 stars; one submission).

Conditions:
Spastic paraplegia. Identifiers: MedGen C0037772, HP:0001258.

Submission:

Labcorp Genetics (formerly Invitae), Labcorp
Classification: Pathogenic for Spastic paraplegia. Last evaluated: 2025-10-27. Review status: criteria provided, single submitter. Criteria: Invitae Variant Classification Sherloc (09022015). Collection method: clinical testing. Allele origin: germline.
Comment: This sequence change creates a premature translational stop signal (p.Leu3745Argfs*2) in the SACS gene. While this is not anticipated to result in nonsense mediated decay, it is expected to disrupt the last 835 amino acid(s) of the SACS protein. This variant is not present in population databases (gnomAD no frequency). This premature translational stop signal has been observed in individual(s) with clinical features of hereditary spastic paraplegia (PMID: 20876471). This variant disrupts a region of the SACS protein in which other variant(s) (p.Tyr4538*) have been determined to be pathogenic (internal data). This suggests that this is a clinically significant region of the protein, and that variants that disrupt it are likely to be disease-causing. For these reasons, this variant has been classified as Pathogenic.

Literature cited by the submitters: PubMed 20876471.